The following is an entry in ClinVar:

ClinVar aggregate classification (germline): Uncertain significance. Review status: criteria provided, multiple submitters, no conflicts (2 of 4 stars). 4 submissions from 4 submitters: Uncertain significance (4). Last evaluated 2026-08-06.

Conditions:
Medulloblastoma (MDB). Also called: MEDULLOBLASTOMA PREDISPOSITION SYNDROME; Medulloblastoma, somatic. Identifiers: Orphanet 616, MedGen C0025149, MeSH D008527, MONDO:0007959, OMIM 155255, HP:0002885.
Gorlin syndrome. Also called: Nevoid Basal Cell Carcinoma Syndrome; Basal cell nevus syndrome. Identifiers: Orphanet 377, MedGen C0004779, MONDO:0007187.
Hereditary cancer-predisposing syndrome. Also called: Hereditary neoplastic syndrome; Hereditary Cancer Syndrome; Neoplastic Syndromes, Hereditary; Tumor predisposition. Identifiers: Orphanet 140162, MedGen C0027672, MeSH D009386, MONDO:0015356.

Allele frequency attached by ClinVar (database versions not stated): gnomAD exomes below 0.00001; TOPMed 0.00001.

Submissions (4):

OLLIN Analises Genomicas, OLLIN
Classification: Uncertain significance. Last evaluated: 2026-08-06. Review status: criteria provided, single submitter. Criteria: ACMG Guidelines 2015 PMID 25741868. Collection method: clinical testing. Allele origin: germline.
Comment: This missense variant, located in exon 8 (of 12), has been reported in ClinVar (accession VCV000524670.10) and in gnomAD with an allele frequency of 0.000062%. However, to our knowledge, it has not been reported in the scientific literature. In silico analysis predicts that this variant has a tolerated effect. According to the currently available evidence, this variant has been classified as uncertain significance (PM2_P, BP4_M).

Center for Genomic Medicine, Rigshospitalet, Copenhagen University Hospital
Classification: Uncertain significance. Last evaluated: 2025-03-04. Review status: criteria provided, single submitter. Criteria: ACMG Guidelines, 2015. Collection method: clinical testing. Allele origin: germline.

Labcorp Genetics (formerly Invitae), Labcorp
Classification: Uncertain significance for Gorlin syndrome; Medulloblastoma. Last evaluated: 2024-06-10. Review status: criteria provided, single submitter. Criteria: Invitae Variant Classification Sherloc (09022015). Collection method: clinical testing. Allele origin: germline.
Comment: This sequence change replaces leucine, which is neutral and non-polar, with phenylalanine, which is neutral and non-polar, at codon 316 of the SUFU protein (p.Leu316Phe). This variant is not present in population databases (gnomAD no frequency). This variant has not been reported in the literature in individuals affected with SUFU-related conditions. ClinVar contains an entry for this variant (Variation ID: 524670). Advanced modeling of protein sequence and biophysical properties (such as structural, functional, and spatial information, amino acid conservation, physicochemical variation, residue mobility, and thermodynamic stability) performed at Invitae indicates that this missense variant is not expected to disrupt SUFU protein function with a negative predictive value of 80%. In summary, the available evidence is currently insufficient to determine the role of this variant in disease. Therefore, it has been classified as a Variant of Uncertain Significance.

Ambry Genetics
Classification: Uncertain significance for Hereditary cancer-predisposing syndrome. Last evaluated: 2024-02-29. Review status: criteria provided, single submitter. Criteria: Ambry Variant Classification Scheme 2023. Collection method: clinical testing. Allele origin: germline.
Comment: The p.L316F variant (also known as c.946C>T), located in coding exon 8 of the SUFU gene, results from a C to T substitution at nucleotide position 946. The leucine at codon 316 is replaced by phenylalanine, an amino acid with highly similar properties. This amino acid position is highly conserved in available vertebrate species. In addition, the in silico prediction for this alteration is inconclusive. Since supporting evidence is limited at this time, the clinical significance of this alteration remains unclear.

NM_016169.4(SUFU):c.946C>T (p.Leu316Phe)

Gene: SUFU (SUFU negative regulator of hedgehog signaling; plus strand). Cytogenetic location: 10q24.32.
Variant type: single nucleotide variant.
Coding change: c.946C>T on transcript NM_016169.4 (MANE Select); coding-DNA position 946, C replaced by T.
Protein change: p.Leu316Phe; replaces leucine 316 with phenylalanine.
Molecular consequence: missense variant.
Genome position (GRCh38, 1-based): chr10:102,599,468, C>T. VCF-style: chr10-102599468-C-T. GRCh37 (hg19) VCF-style: chr10-104359225-C-T.
Other names: c.946C>T, p.Leu316Phe (NM_001178133.2); short protein forms L316F.
Identifiers: ClinVar variation 524670 (VCV000524670.11), dbSNP rs1554853004, ClinGen allele CA377911060.